The following is an entry in ClinVar:

ClinVar aggregate classification (germline): Conflicting classifications of pathogenicity. Review status: criteria provided, conflicting classifications (1 of 4 stars). 3 submissions from 3 submitters: Uncertain significance (1); Benign (1); Likely benign (1). Last evaluated 2025-06-11.

Conditions:
Breast-ovarian cancer, familial, susceptibility to, 4. Identifiers: Orphanet 145, MedGen C3280345, MONDO:0013669, OMIM 614291.
Hereditary cancer-predisposing syndrome. Also called: Tumor predisposition; Hereditary neoplastic syndrome; Hereditary Cancer Syndrome; Neoplastic Syndromes, Hereditary. Identifiers: Orphanet 140162, MedGen C0027672, MeSH D009386, MONDO:0015356.

Allele frequency attached by ClinVar (database versions not stated): gnomAD exomes below 0.00001.
gnomAD v4.1: 1 of 1,611,784 alleles (0.000062%); highest among the groups gnomAD compares: African/African-American, 0.0013%; no homozygotes.

Submissions (3):

Labcorp Genetics (formerly Invitae), Labcorp
Classification: Uncertain significance for Breast-ovarian cancer, familial, susceptibility to, 4. Last evaluated: 2025-06-11. Review status: criteria provided, single submitter. Criteria: Invitae Variant Classification Sherloc (09022015). Collection method: clinical testing. Allele origin: germline.
Comment: This sequence change affects codon 234 of the RAD51D mRNA. It is a 'silent' change, meaning that it does not change the encoded amino acid sequence of the RAD51D protein. This variant is not present in population databases (gnomAD no frequency). This variant has not been reported in the literature in individuals affected with RAD51D-related conditions. ClinVar contains an entry for this variant (Variation ID: 3222888). Algorithms developed to predict the effect of sequence changes on RNA splicing suggest that this variant may disrupt the consensus splice site. In summary, the available evidence is currently insufficient to determine the role of this variant in disease. Therefore, it has been classified as a Variant of Uncertain Significance.

Myriad Genetics, Inc.
Classification: Benign for Breast-ovarian cancer, familial, susceptibility to, 4. Last evaluated: 2025-02-24. Review status: criteria provided, single submitter. Criteria: Myriad Autosomal Dominant, Autosomal Recessive and X-Linked Classification Criteria (2023). Collection method: clinical testing. Allele origin: unknown.
Comment: This variant is considered benign. This variant is a silent/synonymous amino acid change and it is not expected to impact splicing.

Ambry Genetics
Classification: Likely benign for Hereditary cancer-predisposing syndrome. Last evaluated: 2023-11-13. Review status: criteria provided, single submitter. Criteria: Ambry Variant Classification Scheme 2023. Collection method: clinical testing. Allele origin: germline.

NM_002878.4(RAD51D):c.702G>A (p.Leu234=)

Genes: RAD51D (RAD51 paralog D; minus strand), RAD51L3-RFFL (RAD51L3-RFFL readthrough; minus strand). Cytogenetic location: 17q12.
Variant type: single nucleotide variant.
Coding change: c.702G>A on transcript NM_002878.4 (MANE Select); coding-DNA position 702, G replaced by A.
Protein change: p.Leu234=; no amino-acid change (leucine 234 retained).
Molecular consequence: synonymous variant. On other transcripts: non-coding transcript variant (3).
Genome position (GRCh38, 1-based): chr17:35,103,290, C>T on the plus strand (G>A on the coding strand, the complement: RAD51D is on the minus strand). VCF-style: chr17-35103290-C-T. GRCh37 (hg19) VCF-style: chr17-33430309-C-T.
Other names: c.762G>A, p.Leu254= (NM_001142571.2); c.366G>A, p.Leu122= (NM_133629.3).
Identifiers: ClinVar variation 3222888 (VCV003222888.4), dbSNP rs901491798, ClinGen allele CA289994172.